The following is an entry in ClinVar:

NM_006329.4(FBLN5):c.910A>G (p.Thr304Ala)

Gene: FBLN5 (fibulin 5; minus strand). Cytogenetic location: 14q32.12.
Variant type: single nucleotide variant.
Coding change: c.910A>G on transcript NM_006329.4 (MANE Select); coding-DNA position 910, A replaced by G.
Protein change: p.Thr304Ala; replaces threonine 304 with alanine.
Molecular consequence: missense variant.
Genome position (GRCh38, 1-based): chr14:91,881,371, T>C on the plus strand (A>G on the coding strand, the complement: FBLN5 is on the minus strand). VCF-style: chr14-91881371-T-C. GRCh37 (hg19) VCF-style: chr14-92347715-T-C.
Other names: c.1033A>G, p.Thr345Ala (NM_001384158.1); c.910A>G, p.Thr304Ala (NM_001384160.1); c.742A>G, p.Thr248Ala (NM_001384161.1, NM_001384162.1); c.961A>G, p.Thr321Ala (NM_001384159.1); short protein forms T321A, T345A, T248A, T304A.
Identifiers: ClinVar variation 2607609 (VCV002607609.6), dbSNP rs758120969, ClinGen allele CA7312694.

ClinVar aggregate classification (germline): Uncertain significance. Review status: criteria provided, multiple submitters, no conflicts (2 of 4 stars). 2 submissions from 2 submitters: Uncertain significance (2). Last evaluated 2025-10-30.

Conditions:
Age related macular degeneration 1 (ARMD1). Also called: MACULOPATHY, AGE-RELATED, 1. Identifiers: MedGen C1864205, MONDO:0011285, OMIM 603075.
Autosomal recessive cutis laxa type 1. Identifiers: Orphanet 90349, MedGen C0268351, MONDO:0019572.
Inborn genetic diseases. Identifiers: MedGen C0950123, MeSH D030342.

Allele frequency attached by ClinVar (database versions not stated): gnomAD exomes below 0.00001; gnomAD 0.00001; TOPMed 0.00001; ExAC 0.00002.
gnomAD v4.1: 3 of 1,613,886 alleles (0.00019%); highest among the groups gnomAD compares: East Asian, 0.0067%; no homozygotes.

Submissions (2):

Ambry Genetics
Classification: Uncertain significance for Inborn genetic diseases. Last evaluated: 2025-10-30. Review status: criteria provided, single submitter. Criteria: Ambry Variant Classification Scheme 2023. Collection method: clinical testing. Allele origin: germline.

Labcorp Genetics (formerly Invitae), Labcorp
Classification: Uncertain significance. Last evaluated: 2024-11-13. Review status: criteria provided, single submitter. Criteria: Invitae Variant Classification Sherloc (09022015). Collection method: clinical testing. Allele origin: germline.
Comment: This sequence change replaces threonine, which is neutral and polar, with alanine, which is neutral and non-polar, at codon 304 of the FBLN5 protein (p.Thr304Ala). This variant is present in population databases (rs758120969, gnomAD 0.02%). This variant has not been reported in the literature in individuals affected with FBLN5-related conditions. ClinVar contains an entry for this variant (Variation ID: 2607609). Invitae Evidence Modeling of protein sequence and biophysical properties (such as structural, functional, and spatial information, amino acid conservation, physicochemical variation, residue mobility, and thermodynamic stability) indicates that this missense variant is not expected to disrupt FBLN5 protein function with a negative predictive value of 80%. In summary, the available evidence is currently insufficient to determine the role of this variant in disease. Therefore, it has been classified as a Variant of Uncertain Significance.